The following is an entry in ClinVar:

NM_130837.3(OPA1):c.2435A>G (p.Lys812Arg)

Gene: OPA1 (OPA1 mitochondrial dynamin like GTPase; plus strand). Cytogenetic location: 3q29.
Variant type: single nucleotide variant.
Coding change: c.2435A>G on transcript NM_130837.3 (MANE Select); coding-DNA position 2435, A replaced by G.
Protein change: p.Lys812Arg; replaces lysine 812 with arginine.
Molecular consequence: missense variant.
Genome position (GRCh38, 1-based): chr3:193,658,990, A>G. VCF-style: chr3-193658990-A-G. GRCh37 (hg19) VCF-style: chr3-193376779-A-G.
Other names: c.1901A>G, p.Lys634Arg (NM_001354663.2); c.1898A>G, p.Lys633Arg (NM_001354664.2); c.2270A>G, p.Lys757Arg (NM_015560.3); c.2162A>G, p.Lys721Arg (NM_130831.3); c.2216A>G, p.Lys739Arg (NM_130832.3); c.2273A>G, p.Lys758Arg (NM_130833.3); c.2324A>G, p.Lys775Arg (NM_130834.3); c.2327A>G, p.Lys776Arg (NM_130835.3); and 1 more; short protein forms K721R, K739R, K758R, K757R, K775R, K776R, K794R, K633R.
Identifiers: ClinVar variation 2986754 (VCV002986754.3), dbSNP rs1577304745, ClinGen allele CA355792077.

ClinVar aggregate classification (germline): Uncertain significance (1 of 4 stars; one submission).

Allele frequency attached by ClinVar (database versions not stated): gnomAD exomes 0.00001.
gnomAD v4.1: 11 of 1,608,062 alleles (0.00068%); highest among the groups gnomAD compares: East Asian, 0.025%; no homozygotes.

Submission:

Labcorp Genetics (formerly Invitae), Labcorp
Classification: Uncertain significance. Last evaluated: 2024-03-10. Review status: criteria provided, single submitter. Criteria: Invitae Variant Classification Sherloc (09022015). Collection method: clinical testing. Allele origin: germline.
Comment: This sequence change replaces lysine, which is basic and polar, with arginine, which is basic and polar, at codon 757 of the OPA1 protein (p.Lys757Arg). This variant is not present in population databases (gnomAD no frequency). This variant has not been reported in the literature in individuals affected with OPA1-related conditions. Advanced modeling of protein sequence and biophysical properties (such as structural, functional, and spatial information, amino acid conservation, physicochemical variation, residue mobility, and thermodynamic stability) performed at Invitae indicates that this missense variant is not expected to disrupt OPA1 protein function with a negative predictive value of 80%. In summary, the available evidence is currently insufficient to determine the role of this variant in disease. Therefore, it has been classified as a Variant of Uncertain Significance.